The following is an entry in ClinVar:

ClinVar aggregate classification (germline): Uncertain significance (1 of 4 stars; one submission).

Conditions:
Progressive sclerosing poliodystrophy (MTDPS4A). Also called: Mitochondrial DNA depletion syndrome 4A (Alpers type); ALPERS PROGRESSIVE INFANTILE POLIODYSTROPHY; NEURONAL DEGENERATION OF CHILDHOOD WITH LIVER DISEASE, PROGRESSIVE; Mitochondrial DNA Depletion Syndrome 4A; Alpers-Huttenlocher Syndrome (AHS); Alpers Syndrome. Identifiers: Orphanet 726, MedGen C0205710, MONDO:0008758, OMIM 203700.

Allele frequency attached by ClinVar (database versions not stated): gnomAD exomes below 0.00001; ExAC 0.00002.
gnomAD v4.1: 5 of 1,613,902 alleles (0.00031%); highest among the groups gnomAD compares: Non-Finnish European, 0.00034%; no homozygotes.

Submission:

Labcorp Genetics (formerly Invitae), Labcorp
Classification: Uncertain significance for Progressive sclerosing poliodystrophy. Last evaluated: 2023-10-03. Review status: criteria provided, single submitter. Criteria: Invitae Variant Classification Sherloc (09022015). Collection method: clinical testing. Allele origin: germline.
Comment: This sequence change falls in intron 22 of the POLG gene. It does not directly change the encoded amino acid sequence of the POLG protein. It affects a nucleotide within the consensus splice site. This variant is present in population databases (rs758587842, gnomAD 0.0009%). This variant has not been reported in the literature in individuals affected with POLG-related conditions. ClinVar contains an entry for this variant (Variation ID: 1400803). Variants that disrupt the consensus splice site are a relatively common cause of aberrant splicing (PMID: 17576681, 9536098). Algorithms developed to predict the effect of sequence changes on RNA splicing suggest that this variant is not likely to affect RNA splicing. In summary, the available evidence is currently insufficient to determine the role of this variant in disease. Therefore, it has been classified as a Variant of Uncertain Significance.

Literature cited by the submitters: PubMed 17576681; PubMed 9536098.

NM_002693.3(POLG):c.3643+3G>A

Gene: POLG (DNA polymerase gamma, catalytic subunit; minus strand). Cytogenetic location: 15q26.1.
Variant type: single nucleotide variant.
Coding change: c.3643+3G>A on transcript NM_002693.3 (MANE Select); 3 bases into the intron after coding-DNA position 3643, G replaced by A.
Molecular consequence: intron variant.
Genome position (GRCh38, 1-based): chr15:89,317,373, C>T on the plus strand (G>A on the coding strand, the complement: POLG is on the minus strand). VCF-style: chr15-89317373-C-T. GRCh37 (hg19) VCF-style: chr15-89860604-C-T.
Other names: c.3643+3G>A (NM_001126131.2).
Identifiers: ClinVar variation 1400803 (VCV001400803.6), dbSNP rs758587842, ClinGen allele CA7724074.